The following continues an entry in ClinVar:

NM_144773.4(PROKR2):c.58del (p.His20fs)

Gene: PROKR2. ClinVar aggregate classification (germline): Pathogenic/Likely pathogenic. Pathogenic (6); Likely pathogenic (6).

Submissions 13 to 16 of 16:

PreventionGenetics, part of Exact Sciences
Classification: Pathogenic for PROKR2-related condition. Last evaluated: 2024-06-26. Review status: no assertion criteria provided. Collection method: clinical testing. Allele origin: germline. Not counted in ClinVar's aggregate classification.
Comment: The PROKR2 c.58delC variant is predicted to result in a frameshift and premature protein termination (p.His20Metfs*24). This variant has been reported in the heterozygous state in several unrelated patients with Kallmann syndrome and normosmic hypogonadotropic hypogonadism (Dodé et al. 2006. PubMed ID: 17054399; referred to as p.Asp19fs in Miraoui et al. 2013. PubMed ID: 23643382, Table S3, patient 105; Libri et al. 2014. PubMed ID: 24276467). This variant has also been reported to arise de novo in a cohort of patients who performed clinical diagnostic exome sequencing (Powis et al. 2018. PubMed ID: 29778231). Of note, this variant was reported in the compound heterozygous state with a PROKR2 missense variant (c.969G>A, p.Met323Ile) in one family with Kallmann syndrome; however, the parent carrying the p.Met323Ile variant was reportedly unaffected (Family B, Dodé et al. 2006. PubMed ID: 17054399). Based on these observations, this variant is classified as pathogenic.

OMIM
Classification: Pathogenic for HYPOGONADOTROPIC HYPOGONADISM 3 WITH ANOSMIA. Last evaluated: 2006-10-20. Review status: no assertion criteria provided. Collection method: literature only. Allele origin: germline. Not counted in ClinVar's aggregate classification.

Genetic Services Laboratory, University of Chicago
Classification: Uncertain significance. Last evaluated: 2020-01-21. Review status: flagged submission. Criteria: ACMG Guidelines, 2015. Collection method: clinical testing. Allele origin: germline. Affected: no. Not counted in ClinVar's aggregate classification.
ClinVar note: Reason: Outlier claim with insufficient supporting evidence

Centre for Mendelian Genomics, University Medical Centre Ljubljana
Classification: Uncertain significance for Hypogonadotropic hypogonadism 3 with or without anosmia. Last evaluated: 2019-05-20. Review status: flagged submission. Criteria: ACMG Guidelines, 2015. Collection method: clinical testing. Allele origin: unknown. Affected: yes. Not counted in ClinVar's aggregate classification.
Comment: This variant was classified as: Uncertain significance. The available evidence on this variant's pathogenicity is insufficient or conflicting. The following ACMG criteria were applied in classifying this variant: PS1.
ClinVar note: Reason: Outlier claim with insufficient supporting evidence

Literature cited by the submitters: PubMed 17054399 (cited by 5 submitters); PubMed 18682503 (cited by Labcorp Genetics (formerly Invitae), Labcorp and Victorian Clinical Genetics Services, Murdoch Childrens Research Institute); PubMed 23643382 (cited by Labcorp Genetics (formerly Invitae), Labcorp and Victorian Clinical Genetics Services, Murdoch Childrens Research Institute); PubMed 24276467 (cited by 3 submitters); PubMed 24031091 (cited by Women's Health and Genetics/Laboratory Corporation of America, LabCorp and Ambry Genetics); PubMed 33227799 (cited by Women's Health and Genetics/Laboratory Corporation of America, LabCorp); PubMed 18826963 (cited by Victorian Clinical Genetics Services, Murdoch Childrens Research Institute and Ambry Genetics); PubMed 20022991 (cited by Victorian Clinical Genetics Services, Murdoch Childrens Research Institute and Ambry Genetics); PubMed 23533228 (cited by Victorian Clinical Genetics Services, Murdoch Childrens Research Institute and Ambry Genetics); PubMed 29161432 (cited by Victorian Clinical Genetics Services, Murdoch Childrens Research Institute); PubMed 31589614 (cited by Victorian Clinical Genetics Services, Murdoch Childrens Research Institute); PubMed 21858136 (cited by Ambry Genetics); PubMed 8954047 (cited by Ambry Genetics); PubMed 20696889 (cited by Ambry Genetics); PubMed 22466334 (cited by Ambry Genetics); PubMed 23386640 (cited by Ambry Genetics); PubMed 4276467 (cited by Ambry Genetics); PubMed 11259612 (cited by Ambry Genetics); PubMed 22927827 (cited by Ambry Genetics); PubMed 23596439 (cited by Ambry Genetics); PubMed 18559922 (cited by Ambry Genetics).